The following is an entry in ClinVar:

NM_138295.5(PKD1L1):c.633G>A (p.Gly211=)

Gene: PKD1L1 (polycystin 1 like 1, transient receptor potential channel interacting; minus strand). Cytogenetic location: 7p12.3.
Variant type: single nucleotide variant.
Coding change: c.633G>A on transcript NM_138295.5 (MANE Select); coding-DNA position 633, G replaced by A.
Protein change: p.Gly211=; no amino-acid change (glycine 211 retained).
Molecular consequence: synonymous variant.
Genome position (GRCh38, 1-based): chr7:47,931,208, C>T on the plus strand (G>A on the coding strand, the complement: PKD1L1 is on the minus strand). VCF-style: chr7-47931208-C-T. GRCh37 (hg19) VCF-style: chr7-47970805-C-T.
Identifiers: ClinVar variation 4998702 (VCV004998702.1).

ClinVar aggregate classification (germline): Likely benign (1 of 4 stars; one submission).

Conditions:
PKD1L1-related disorder. Also called: PKD1L1-related condition.

Submission:

PreventionGenetics, part of Exact Sciences
Classification: Likely benign for PKD1L1-related condition. Last evaluated: 2025-03-19. Review status: criteria provided, single submitter. Criteria: ACMG Guidelines, 2015. Collection method: clinical testing. Allele origin: germline.
Comment: This variant is classified as likely benign based on ACMG/AMP sequence variant interpretation guidelines (Richards et al. 2015 PMID: 25741868, with internal and published modifications).